The following is an entry in ClinVar:

ClinVar aggregate classification (germline): Uncertain significance (1 of 4 stars; one submission).

Allele frequency attached by ClinVar (database versions not stated): gnomAD exomes 0.00001; TOPMed 0.00002.
gnomAD v4.1: 13 of 1,612,906 alleles (0.00081%); highest among the groups gnomAD compares: Admixed American, 0.0033%; no homozygotes.

Submission:

Labcorp Genetics (formerly Invitae), Labcorp
Classification: Uncertain significance. Last evaluated: 2022-08-07. Review status: criteria provided, single submitter. Criteria: Invitae Variant Classification Sherloc (09022015). Collection method: clinical testing. Allele origin: germline.
Comment: In summary, the available evidence is currently insufficient to determine the role of this variant in disease. Therefore, it has been classified as a Variant of Uncertain Significance. Algorithms developed to predict the effect of missense changes on protein structure and function (SIFT, PolyPhen-2, Align-GVGD) all suggest that this variant is likely to be disruptive. This variant has not been reported in the literature in individuals affected with HMCN1-related conditions. This variant is present in population databases (no rsID available, gnomAD 0.006%). This sequence change replaces proline, which is neutral and non-polar, with serine, which is neutral and polar, at codon 3015 of the HMCN1 protein (p.Pro3015Ser).

NM_031935.3(HMCN1):c.9043C>T (p.Pro3015Ser)

Gene: HMCN1 (hemicentin 1; plus strand). Cytogenetic location: 1q31.1.
Variant type: single nucleotide variant.
Coding change: c.9043C>T on transcript NM_031935.3 (MANE Select); coding-DNA position 9043, C replaced by T.
Protein change: p.Pro3015Ser; replaces proline 3015 with serine.
Molecular consequence: missense variant.
Genome position (GRCh38, 1-based): chr1:186,086,404, C>T. VCF-style: chr1-186086404-C-T. GRCh37 (hg19) VCF-style: chr1-186055536-C-T.
Other names: short protein forms P3015S.
Identifiers: ClinVar variation 2174498 (VCV002174498.4), dbSNP rs1309696018, ClinGen allele CA343918012.